The following is an entry in ClinVar:

ClinVar aggregate classification (germline): Likely benign (1 of 4 stars; one submission).

Conditions:
CFTR-related disorder (CFTR-RD). Also called: CFTR-related disorders; CFTR-related condition. Identifiers: MedGen C5924204, MONDO:7770004.

gnomAD v4.1: 23 of 152,114 alleles (0.015%); highest among the groups gnomAD compares: Non-Finnish European, 0.0074%; no homozygotes.

Submission:

PreventionGenetics, part of Exact Sciences
Classification: Likely benign for CFTR-related condition. Last evaluated: 2025-04-16. Review status: criteria provided, single submitter. Criteria: ACMG Guidelines, 2015. Collection method: clinical testing. Allele origin: germline.
Comment: This variant is classified as likely benign based on ACMG/AMP sequence variant interpretation guidelines (Richards et al. 2015 PMID: 25741868, with internal and published modifications).

NM_000492.4(CFTR):c.3469-1308A>T

Genes: CFTR (CF transmembrane conductance regulator; plus strand), CFTR-AS2 (CFTR antisense RNA 2; minus strand). Cytogenetic location: 7q31.2.
Variant type: single nucleotide variant.
Coding change: c.3469-1308A>T on transcript NM_000492.4 (MANE Select); 1308 bases into the intron before coding-DNA position 3469, A replaced by T.
Molecular consequence: intron variant.
Genome position (GRCh38, 1-based): chr7:117,626,214, A>T. VCF-style: chr7-117626214-A-T. GRCh37 (hg19) VCF-style: chr7-117266268-A-T.
Identifiers: ClinVar variation 4989746 (VCV004989746.1).